The following is an entry in ClinVar:

ClinVar aggregate classification (germline): Uncertain significance. Review status: criteria provided, multiple submitters, no conflicts (2 of 4 stars). 2 submissions from 2 submitters: Uncertain significance (2). Last evaluated 2025-02-05.

Conditions:
Retinoblastoma (RB1). Also called: RETINOBLASTOMA, SOMATIC. Identifiers: Orphanet 790, MedGen C0035335, MeSH D012175, MONDO:0008380, OMIM 180200, HP:0009919. Disease mechanism: loss of function. Inheritance: Both sporadic and heritable forms are tested..
Hereditary cancer-predisposing syndrome. Also called: Hereditary Cancer Syndrome; Hereditary neoplastic syndrome; Tumor predisposition; Neoplastic Syndromes, Hereditary. Identifiers: Orphanet 140162, MedGen C0027672, MeSH D009386, MONDO:0015356.

Allele frequency attached by ClinVar (database versions not stated): gnomAD exomes below 0.00001; ExAC 0.00001; gnomAD 0.00001.
gnomAD v4.1: 7 of 1,613,626 alleles (0.00043%); highest among the groups gnomAD compares: Admixed American, 0.0033%; no homozygotes.

Submissions (2):

Ambry Genetics
Classification: Uncertain significance for Hereditary cancer-predisposing syndrome. Last evaluated: 2025-02-05. Review status: criteria provided, single submitter. Criteria: Ambry Variant Classification Scheme 2023. Collection method: clinical testing. Allele origin: germline.
Comment: The p.R262Q variant (also known as c.785G>A), located in coding exon 8 of the RB1 gene, results from a G to A substitution at nucleotide position 785. The arginine at codon 262 is replaced by glutamine, an amino acid with highly similar properties. This amino acid position is highly conserved in available vertebrate species. In addition, the in silico prediction for this alteration is inconclusive. Since supporting evidence is limited at this time, the clinical significance of this alteration remains unclear.

Labcorp Genetics (formerly Invitae), Labcorp
Classification: Uncertain significance for Retinoblastoma. Last evaluated: 2024-11-11. Review status: criteria provided, single submitter. Criteria: Invitae Variant Classification Sherloc (09022015). Collection method: clinical testing. Allele origin: germline.
Comment: This sequence change replaces arginine, which is basic and polar, with glutamine, which is neutral and polar, at codon 262 of the RB1 protein (p.Arg262Gln). This variant is present in population databases (rs752342013, gnomAD 0.003%). This variant has not been reported in the literature in individuals affected with RB1-related conditions. ClinVar contains an entry for this variant (Variation ID: 842202). Invitae Evidence Modeling of protein sequence and biophysical properties (such as structural, functional, and spatial information, amino acid conservation, physicochemical variation, residue mobility, and thermodynamic stability) has been performed for this missense variant. However, the output from this modeling did not meet the statistical confidence thresholds required to predict the impact of this variant on RB1 protein function. In summary, the available evidence is currently insufficient to determine the role of this variant in disease. Therefore, it has been classified as a Variant of Uncertain Significance.

NM_000321.3(RB1):c.785G>A (p.Arg262Gln)

Gene: RB1 (RB transcriptional corepressor 1; plus strand). Cytogenetic location: 13q14.2.
Variant type: single nucleotide variant.
Coding change: c.785G>A on transcript NM_000321.3 (MANE Select); coding-DNA position 785, G replaced by A.
Protein change: p.Arg262Gln; replaces arginine 262 with glutamine.
Molecular consequence: missense variant.
Genome position (GRCh38, 1-based): chr13:48,362,881, G>A. VCF-style: chr13-48362881-G-A. GRCh37 (hg19) VCF-style: chr13-48937017-G-A.
Other names: short protein forms R262Q.
Identifiers: ClinVar variation 842202 (VCV000842202.11), dbSNP rs752342013, ClinGen allele CA039524.